The following is an entry in ClinVar:

NM_007126.5(VCP):c.*438A>G

Gene: VCP (valosin containing protein; minus strand). Cytogenetic location: 9p13.3.
Variant type: single nucleotide variant.
Coding change: c.*438A>G on transcript NM_007126.5 (MANE Select); 438 bases downstream of the stop codon, A replaced by G.
Molecular consequence: 3 prime UTR variant.
Genome position (GRCh38, 1-based): chr9:35,056,679, T>C on the plus strand (A>G on the coding strand, the complement: VCP is on the minus strand). VCF-style: chr9-35056679-T-C. GRCh37 (hg19) VCF-style: chr9-35056676-T-C.
Other names: c.*438A>G (NM_001354927.2, NM_001354928.2).
Identifiers: ClinVar variation 366708 (VCV000366708.5), dbSNP rs137953487, ClinGen allele CA10627276.

ClinVar aggregate classification (germline): Benign. Review status: criteria provided, single submitter (1 of 4 stars). 2 submissions from 1 submitter: Benign (2). Last evaluated 2018-01-12.

Conditions:
Frontotemporal dementia and/or amyotrophic lateral sclerosis 6 (FTDALS6). Also called: VCP-Related Amyotrophic Lateral Sclerosis; VCP-Related Amyotrophic Lateral Sclerosis/Frontotemporal Dementia. Identifiers: Orphanet 275872, Orphanet 803, MedGen C5436279, MONDO:0013501, OMIM 613954.
Inclusion body myopathy with Paget disease of bone and frontotemporal dementia type 1. Also called: MULTISYSTEM PROTEINOPATHY 1; Inclusion body myopathy with early-onset Paget disease with or without frontotemporal dementia 1; Inclusion body myopathy with early-onset Paget disease and frontotemporal dementia 1. Identifiers: MedGen C4551951, MONDO:0008178, OMIM 167320.

Allele frequency attached by ClinVar (database versions not stated): gnomAD 0.00004; TOPMed 0.00014; 1000 Genomes Project 30x 0.00359; 1000 Genomes Project 0.00399.
gnomAD v4.1: 201 of 220,464 alleles (0.091%); highest among the groups gnomAD compares: South Asian, 1.3%; 2 homozygotes.

Submissions (2):

Illumina Laboratory Services, Illumina
Classification: Benign for Frontotemporal dementia and/or amyotrophic lateral sclerosis 6. Last evaluated: 2018-01-12. Review status: criteria provided, single submitter. Criteria: ICSL Variant Classification Criteria 13 December 2019. Collection method: clinical testing. Allele origin: germline.
Comment: This variant was observed in the ICSL laboratory as part of a predisposition screen in an ostensibly healthy population. It had not been previously curated by ICSL or reported in the Human Gene Mutation Database (HGMD: prior to June 1st, 2018), and was therefore a candidate for classification through an automated scoring system. Utilizing variant allele frequency, disease prevalence and penetrance estimates, and inheritance mode, an automated score was calculated to assess if this variant is too frequent to cause the disease. Based on the score and internal cut-off values, a variant classified as benign is not then subjected to further curation. The score for this variant resulted in a classification of benign for this disease.

Illumina Laboratory Services, Illumina
Classification: Benign for Inclusion body myopathy with Paget disease of bone and frontotemporal dementia type 1. Last evaluated: 2018-01-12. Review status: criteria provided, single submitter. Criteria: ICSL Variant Classification Criteria 13 December 2019. Collection method: clinical testing. Allele origin: germline.
Comment: the same text as in the submission from Illumina Laboratory Services, Illumina above.